The following is an entry in ClinVar:

ClinVar aggregate classification (germline): Likely benign. Review status: criteria provided, multiple submitters, no conflicts (2 of 4 stars). 4 submissions from 4 submitters: Likely benign (3). 1 of the submissions does not count toward it. Last evaluated 2026-01-12.

Conditions:
MSH3-related disorder. Also called: MSH3-related condition.
Hereditary cancer-predisposing syndrome. Also called: Hereditary neoplastic syndrome; Neoplastic Syndromes, Hereditary; Tumor predisposition; Hereditary Cancer Syndrome. Identifiers: Orphanet 140162, MedGen C0027672, MeSH D009386, MONDO:0015356.

Allele frequency attached by ClinVar (database versions not stated): gnomAD exomes 0.00001; ExAC 0.00003.
gnomAD v4.1: 9 of 1,612,870 alleles (0.00056%); highest among the groups gnomAD compares: Non-Finnish European, 0.00076%; no homozygotes.

Submissions (4):

Labcorp Genetics (formerly Invitae), Labcorp
Classification: Likely benign. Last evaluated: 2026-01-12. Review status: criteria provided, single submitter. Criteria: Invitae Variant Classification Sherloc (09022015). Collection method: clinical testing. Allele origin: germline.

Center for Genomic Medicine, Rigshospitalet, Copenhagen University Hospital
Classification: Likely benign. Last evaluated: 2025-03-04. Review status: criteria provided, single submitter. Criteria: ACMG Guidelines, 2015. Collection method: clinical testing. Allele origin: germline.

Ambry Genetics
Classification: Likely benign for Hereditary cancer-predisposing syndrome. Last evaluated: 2019-06-03. Review status: criteria provided, single submitter. Criteria: Ambry Variant Classification Scheme 2023. Collection method: clinical testing. Allele origin: germline.

PreventionGenetics, part of Exact Sciences
Classification: Likely benign for MSH3-related condition. Last evaluated: 2022-11-11. Review status: no assertion criteria provided. Collection method: clinical testing. Allele origin: germline. Not counted in ClinVar's aggregate classification.
Comment: This variant is classified as likely benign based on ACMG/AMP sequence variant interpretation guidelines (Richards et al. 2015 PMID: 25741868, with internal and published modifications).

NM_002439.5(MSH3):c.2571T>A (p.Ile857=)

Gene: MSH3 (mutS homolog 3; plus strand). Cytogenetic location: 5q14.1.
Variant type: single nucleotide variant.
Coding change: c.2571T>A on transcript NM_002439.5 (MANE Select); coding-DNA position 2571, T replaced by A.
Protein change: p.Ile857=; no amino-acid change (isoleucine 857 retained).
Molecular consequence: synonymous variant.
Genome position (GRCh38, 1-based): chr5:80,792,760, T>A. VCF-style: chr5-80792760-T-A. GRCh37 (hg19) VCF-style: chr5-80088579-T-A.
Other names: c.2571T>A (NM_002439.4).
Identifiers: ClinVar variation 1147255 (VCV001147255.14), dbSNP rs781196482, ClinGen allele CA3328297.